The following is an entry in ClinVar:

ClinVar aggregate classification (germline): Uncertain significance (1 of 4 stars; one submission).

Conditions:
Combined immunodeficiency due to ORAI1 deficiency. Also called: IMMUNODEFICIENCY 9. Identifiers: Orphanet 169090, Orphanet 317428, MedGen C2748568, MONDO:0013007, OMIM 612782.
Myopathy, tubular aggregate, 2 (TAM2). Identifiers: MedGen C4014557, MONDO:0014383, OMIM 615883.

Allele frequency attached by ClinVar (database versions not stated): gnomAD exomes below 0.00001; gnomAD 0.00001; TOPMed 0.00001.

Submission:

Labcorp Genetics (formerly Invitae), Labcorp
Classification: Uncertain significance for Myopathy, tubular aggregate, 2; Combined immunodeficiency due to ORAI1 deficiency. Last evaluated: 2022-07-19. Review status: criteria provided, single submitter. Criteria: Invitae Variant Classification Sherloc (09022015). Collection method: clinical testing. Allele origin: germline.
Comment: In summary, the available evidence is currently insufficient to determine the role of this variant in disease. Therefore, it has been classified as a Variant of Uncertain Significance. Experimental studies and prediction algorithms are not available or were not evaluated, and the functional significance of this variant is currently unknown. ClinVar contains an entry for this variant (Variation ID: 1475829). This variant has not been reported in the literature in individuals affected with ORAI1-related conditions. This variant is not present in population databases (gnomAD no frequency). This sequence change replaces aspartic acid with valine at codon 36 of the ORAI1 protein (p.Asp36Val). The aspartic acid residue is weakly conserved and there is a large physicochemical difference between aspartic acid and valine.

NC_000012.12:g.121626849A>T

Genes: ORAI1 (ORAI calcium release-activated calcium modulator 1; plus strand), LOC130008987 (ATAC-STARR-seq lymphoblastoid silent region 4981; plus strand). Cytogenetic location: 12q24.31.
Variant type: single nucleotide variant.
Genome position: GRCh38 VCF-style: chr12-121626849-A-T. GRCh37 (hg19) VCF-style: chr12-122064754-A-T.
Other names: c.107A>T, p.Asp36Val (NM_032790.4); short protein forms D36V.
Identifiers: ClinVar variation 1475829 (VCV001475829.6), dbSNP rs1276920059, ClinGen allele CA386980551.